The following is an entry in ClinVar:

ClinVar aggregate classification (germline): Conflicting classifications of pathogenicity. Review status: criteria provided, conflicting classifications (1 of 4 stars). 10 submissions from 10 submitters: Likely pathogenic (2); Uncertain significance (6). 2 of the submissions do not count toward it. Last evaluated 2025-12-31.

Conditions:
Sick sinus syndrome 2, autosomal dominant (SSS2). Also called: SICK SINUS SYNDROME 2; SICK SINUS SYNDROME 2 WITH OR WITHOUT CARDIAC NONCOMPACTION AND/OR ASCENDING AORTA DILATION; ATRIAL FIBRILLATION WITH BRADYARRHYTHMIA; SINUS BRADYCARDIA SYNDROME, FAMILIAL, AUTOSOMAL DOMINANT; SINUS NODE DISEASE, FAMILIAL, AUTOSOMAL DOMINANT. Identifiers: Orphanet 166282, MedGen C1834144, MONDO:0008102, OMIM 163800.
Brugada syndrome 8 (BRGDA8). Identifiers: Orphanet 130, MedGen C2751083, MONDO:0013148, OMIM 613123.
Epilepsy, idiopathic generalized, susceptibility to, 18. Identifiers: MedGen C5561983, MONDO:0030434, OMIM 619521.
HCN4-related disorder. Also called: HCN4-related condition.
Cardiovascular phenotype. Identifiers: MedGen CN230736.

Allele frequency attached by ClinVar (database versions not stated): gnomAD 0.00001; gnomAD exomes 0.00001 and 0.00002; ExAC 0.00002; TOPMed 0.00002.
gnomAD v4.1: 15 of 1,614,060 alleles (0.00093%); highest among the groups gnomAD compares: African/African-American, 0.004%; no homozygotes.

Submissions (10):

Labcorp Genetics (formerly Invitae), Labcorp
Classification: Uncertain significance for Brugada syndrome 8. Last evaluated: 2025-12-31. Review status: criteria provided, single submitter. Criteria: Invitae Variant Classification Sherloc (09022015). Collection method: clinical testing. Allele origin: germline.
Comment: This sequence change replaces arginine, which is basic and polar, with cysteine, which is neutral and slightly polar, at codon 378 of the HCN4 protein (p.Arg378Cys). This variant is present in population databases (rs758468167, gnomAD 0.01%). This missense change has been observed in individual(s) with sick sinus syndrome (PMID: 30196304). ClinVar contains an entry for this variant (Variation ID: 190779). Invitae Evidence Modeling of protein sequence and biophysical properties (such as structural, functional, and spatial information, amino acid conservation, physicochemical variation, residue mobility, and thermodynamic stability) indicates that this missense variant is expected to disrupt HCN4 protein function with a positive predictive value of 95%. Experimental studies have shown that this missense change affects HCN4 function (PMID: 30196304). In summary, the available evidence is currently insufficient to determine the role of this variant in disease. Therefore, it has been classified as a Variant of Uncertain Significance.

GeneDx
Classification: Uncertain significance. Last evaluated: 2024-12-12. Review status: criteria provided, single submitter. Criteria: GeneDx Variant Classification Process June 2021. Collection method: clinical testing. Allele origin: germline. Affected: yes.
Comment: Identified in a patient with sick sinus syndrome (SSS) in published literature; the variant was also identified in this patient's mother and brother who both had sinus bradycardia (PMID: 30196304); Identified in an individual with noncompaction cardiomyopathy (PMID: 30847666); A published functional study suggests slowed activation kinetics and reduced surface expression (PMID: 30196304); In silico analysis supports that this missense variant has a deleterious effect on protein structure/function; This variant is associated with the following publications: (PMID: 30196304, 30847666)

3billion
Classification: Uncertain significance for Sick sinus syndrome 2, autosomal dominant. Last evaluated: 2024-11-20. Review status: criteria provided, single submitter. Criteria: ACMG Guidelines, 2015. Collection method: clinical testing. Allele origin: germline. Affected: yes.
Comment: The variant is observed at an extremely low frequency in the gnomAD v4.1.0 dataset (total allele frequency: <0.001%). Predicted Consequence/Location: Missense variant. Missense changes are a common disease-causing mechanism. In silico tool predictions suggest damaging effect of the variant on gene or gene product [REVEL: 0.96 (>=0.6, sensitivity 0.68 and specificity 0.92); 3Cnet: 0.68 (>=0.6, sensitivity 0.72 and precision 0.9)]. The variant has been reported as of uncertain significance (ClinVar ID: VCV000190779). Different missense changes at the same codon have been reported as of uncertain significance (ClinVar ID: VCV001019873). Therefore, this variant is classified as VUS according to the recommendation of ACMG/AMP guideline.

Blueprint Genetics
Classification: Likely pathogenic for HCN4-related disorders. Last evaluated: 2024-09-02. Review status: criteria provided, single submitter. Criteria: ACMG Guidelines, 2015. Collection method: clinical testing. Allele origin: germline. Affected: yes. Observed: 3 variant alleles.

Ambry Genetics
Classification: Uncertain significance for Cardiovascular phenotype. Last evaluated: 2023-06-14. Review status: criteria provided, single submitter. Criteria: Ambry Variant Classification Scheme 2023. Collection method: clinical testing. Allele origin: germline.
Comment: The p.R378C variant (also known as c.1132C>T), located in coding exon 2 of the HCN4 gene, results from a C to T substitution at nucleotide position 1132. The arginine at codon 378 is replaced by cysteine, an amino acid with highly dissimilar properties. This variant has been detected in a proband with childhood onset sick sinus syndrome and in two relatives with bradycardia (M&ouml;ller M et al. Cell Physiol Biochem. 2018 Sep;49(3):1197-1207). This variant has also been detected in an individual who underwent genetic testing for suspicion of noncompaction cardiomyopathy; however, details were limited (van Lint FHM et al. Neth Heart J. 2019 Jun;27(6):304-309). In vitro suggest this variant may impact channel function and protein cell-surface expression; however, additional evidence is needed to confirm these findings (M&ouml;ller M et al. Cell Physiol Biochem. 2018 Sep;49(3):1197-1207). This amino acid position is highly conserved in available vertebrate species. In addition, this alteration is predicted to be deleterious by in silico analysis. Since supporting evidence is limited at this time, the clinical significance of this alteration remains unclear.

Clinical Genetics Laboratory, Skane University Hospital Lund
Classification: Uncertain significance. Last evaluated: 2023-01-05. Review status: criteria provided, single submitter. Criteria: ACMG Guidelines, 2015. Collection method: clinical testing. Allele origin: germline. Affected: yes.

CeGaT Center for Human Genetics Tuebingen
Classification: Likely pathogenic. Last evaluated: 2021-11-01. Review status: criteria provided, single submitter. Criteria: CeGaT Center For Human Genetics Tuebingen Variant Classification Criteria Version 2. Collection method: clinical testing. Allele origin: germline. Affected: yes. Observed: 1 variant allele.

Fulgent Genetics
Classification: Uncertain significance for Sick sinus syndrome 2, autosomal dominant; Brugada syndrome 8; Epilepsy, idiopathic generalized, susceptibility to, 18. Last evaluated: 2021-08-26. Review status: criteria provided, single submitter. Criteria: ACMG Guidelines, 2015. Collection method: clinical testing. Allele origin: unknown.

Clinical Genetics, Academic Medical Center
Classification: Uncertain significance. Review status: no assertion criteria provided. Collection method: clinical testing. Allele origin: germline. Affected: yes. Study: VKGL Data-share Consensus. Not counted in ClinVar's aggregate classification.

Joint Genome Diagnostic Labs from Nijmegen and Maastricht, Radboudumc and MUMC+
Classification: Uncertain significance. Review status: no assertion criteria provided. Collection method: clinical testing. Allele origin: germline. Affected: yes. Study: VKGL Data-share Consensus. Not counted in ClinVar's aggregate classification.

Literature cited by the submitters: PubMed 30196304 (cited by Labcorp Genetics (formerly Invitae), Labcorp and Ambry Genetics); PubMed 30847666 (cited by Ambry Genetics).

NM_005477.3(HCN4):c.1132C>T (p.Arg378Cys)

Genes: HCN4 (hyperpolarization activated cyclic nucleotide gated potassium channel 4; minus strand), LOC105370890 (uncharacterized LOC105370890; plus strand), LOC126862173 (CDK7 strongly-dependent group 2 enhancer GRCh37_chr15:73635762-73636961; plus strand). Cytogenetic location: 15q24.1.
Variant type: single nucleotide variant.
Coding change: c.1132C>T on transcript NM_005477.3 (MANE Select); coding-DNA position 1132, C replaced by T.
Protein change: p.Arg378Cys; replaces arginine 378 with cysteine.
Molecular consequence: missense variant.
Genome position (GRCh38, 1-based): chr15:73,343,462, G>A on the plus strand (C>T on the coding strand, the complement: HCN4 is on the minus strand). VCF-style: chr15-73343462-G-A. GRCh37 (hg19) VCF-style: chr15-73635803-G-A.
Other names: p.R378C:CGC>TGC; short protein forms R378C.
Identifiers: ClinVar variation 190779 (VCV000190779.53), dbSNP rs758468167, ClinGen allele CA301958.